The following is an entry in ClinVar:

ClinVar aggregate classification (germline): Uncertain significance. Review status: criteria provided, multiple submitters, no conflicts (2 of 4 stars). 4 submissions from 4 submitters: Uncertain significance (4). Last evaluated 2025-10-31.

Conditions:
Classic or attenuated familial adenomatous polyposis. Identifiers: MedGen CN372698, MONDO:0021057.
Hereditary cancer-predisposing syndrome. Also called: Neoplastic Syndromes, Hereditary; Tumor predisposition; Hereditary Cancer Syndrome; Hereditary neoplastic syndrome. Identifiers: Orphanet 140162, MedGen C0027672, MeSH D009386, MONDO:0015356.
Familial adenomatous polyposis 1 (FAP1). Also called: POLYPOSIS, ADENOMATOUS INTESTINAL; FAMILIAL ADENOMATOUS POLYPOSIS 1, ATTENUATED. Identifiers: MedGen C2713442, MONDO:0021056, OMIM 175100. Disease mechanism: loss of function.

gnomAD v4.1: 2 of 1,612,936 alleles (0.00012%); highest among the groups gnomAD compares: Non-Finnish European, 0.00017%; no homozygotes.

Submissions (4):

Women's Health and Genetics/Laboratory Corporation of America, LabCorp
Classification: Uncertain significance. Last evaluated: 2025-10-31. Review status: criteria provided, single submitter. Criteria: LabCorp Variant Classification Summary - May 2015. Collection method: clinical testing. Allele origin: germline.

All of Us Research Program, National Institutes of Health
Classification: Uncertain significance for Classic or attenuated familial adenomatous polyposis. Last evaluated: 2024-08-30. Review status: criteria provided, single submitter. Criteria: ACMG Guidelines, 2015. Collection method: clinical testing. Allele origin: germline. Inheritance: Autosomal dominant inheritance. Observed: 1 variant allele, 1 heterozygote.
Comment: This missense variant replaces threonine with serine at codon 664 of the APC protein. Computational prediction is inconclusive regarding the impact of this variant on protein structure and function (internally defined REVEL score threshold 0.5 < inconclusive < 0.7, PMID: 27666373). To our knowledge, functional studies have not been reported for this variant. This variant has not been reported in individuals affected with APC-related disorders in the literature. This variant has been identified in 2/250650 chromosomes in the general population by the Genome Aggregation Database (gnomAD). The available evidence is insufficient to determine the role of this variant in disease conclusively. Therefore, this variant is classified as a Variant of Uncertain Significance.

This study involves interpretation of variants in research participants for the purpose of population health screening. Participant phenotype was not available at the time of variant classification. Additional details can be found in publication PMID: 35346344, PMCID: PMC8962531

Labcorp Genetics (formerly Invitae), Labcorp
Classification: Uncertain significance for Familial adenomatous polyposis 1. Last evaluated: 2024-04-22. Review status: criteria provided, single submitter. Criteria: Invitae Variant Classification Sherloc (09022015). Collection method: clinical testing. Allele origin: germline.
Comment: This sequence change replaces threonine, which is neutral and polar, with serine, which is neutral and polar, at codon 664 of the APC protein (p.Thr664Ser). This variant is present in population databases (no rsID available, gnomAD 0.002%). This variant has not been reported in the literature in individuals affected with APC-related conditions. ClinVar contains an entry for this variant (Variation ID: 653600). Advanced modeling of protein sequence and biophysical properties (such as structural, functional, and spatial information, amino acid conservation, physicochemical variation, residue mobility, and thermodynamic stability) performed at Invitae indicates that this missense variant is not expected to disrupt APC protein function with a negative predictive value of 95%. In summary, the available evidence is currently insufficient to determine the role of this variant in disease. Therefore, it has been classified as a Variant of Uncertain Significance.

Ambry Genetics
Classification: Uncertain significance for Hereditary cancer-predisposing syndrome. Last evaluated: 2023-12-12. Review status: criteria provided, single submitter. Criteria: Ambry Variant Classification Scheme 2023. Collection method: clinical testing. Allele origin: germline.
Comment: The p.T664S variant (also known as c.1991C>G), located in coding exon 15 of the APC gene, results from a C to G substitution at nucleotide position 1991. The threonine at codon 664 is replaced by serine, an amino acid with similar properties. This amino acid position is highly conserved in available vertebrate species. In addition, in silico predictors for this gene do not accurately predict pathogenicity. Since supporting evidence is limited at this time, the clinical significance of this alteration remains unclear.

NM_000038.6(APC):c.1991C>G (p.Thr664Ser)

Gene: APC (APC regulator of Wnt signaling pathway; plus strand). Cytogenetic location: 5q22.2.
Variant type: single nucleotide variant.
Coding change: c.1991C>G on transcript NM_000038.6 (MANE Select); coding-DNA position 1991, C replaced by G.
Protein change: p.Thr664Ser; replaces threonine 664 with serine.
Molecular consequence: missense variant.
Genome position (GRCh38, 1-based): chr5:112,837,585, C>G. VCF-style: chr5-112837585-C-G. GRCh37 (hg19) VCF-style: chr5-112173282-C-G.
Other names: c.1991C>G, p.Thr664Ser (NM_001127510.3, NM_001354895.2); c.1937C>G, p.Thr646Ser (NM_001127511.3); c.2045C>G, p.Thr682Ser (NM_001354896.2); c.2021C>G, p.Thr674Ser (NM_001354897.2); c.1916C>G, p.Thr639Ser (NM_001354898.2); c.1907C>G, p.Thr636Ser (NM_001354899.2); c.1868C>G, p.Thr623Ser (NM_001354900.2); c.1814C>G, p.Thr605Ser (NM_001354901.2); and 5 more; short protein forms T538S, T623S, T504S, T573S, T636S, T381S, T646S, T674S.
Identifiers: ClinVar variation 653600 (VCV000653600.15), dbSNP rs1469658332, ClinGen allele CA16025668.